The following is an entry in ClinVar:

ClinVar aggregate classification (germline): Uncertain significance (1 of 4 stars; one submission).

Submission:

Labcorp Genetics (formerly Invitae), Labcorp
Classification: Uncertain significance. Last evaluated: 2024-02-17. Review status: criteria provided, single submitter. Criteria: Invitae Variant Classification Sherloc (09022015). Collection method: clinical testing. Allele origin: germline.
Comment: This sequence change replaces glycine, which is neutral and non-polar, with arginine, which is basic and polar, at codon 76 of the CNNM2 protein (p.Gly76Arg). This variant is not present in population databases (gnomAD no frequency). This variant has not been reported in the literature in individuals affected with CNNM2-related conditions. Advanced modeling of protein sequence and biophysical properties (such as structural, functional, and spatial information, amino acid conservation, physicochemical variation, residue mobility, and thermodynamic stability) performed at Invitae indicates that this missense variant is expected to disrupt CNNM2 protein function with a positive predictive value of 80%. In summary, the available evidence is currently insufficient to determine the role of this variant in disease. Therefore, it has been classified as a Variant of Uncertain Significance.

NM_017649.5(CNNM2):c.226G>A (p.Gly76Arg)

Gene: CNNM2 (cyclin and CBS domain divalent metal cation transport mediator 2; plus strand). Cytogenetic location: 10q24.32.
Variant type: single nucleotide variant.
Coding change: c.226G>A on transcript NM_017649.5 (MANE Select); coding-DNA position 226, G replaced by A.
Protein change: p.Gly76Arg; replaces glycine 76 with arginine.
Molecular consequence: missense variant.
Genome position (GRCh38, 1-based): chr10:102,918,706, G>A. VCF-style: chr10-102918706-G-A. GRCh37 (hg19) VCF-style: chr10-104678463-G-A.
Other names: c.226G>A, p.Gly76Arg (NM_199076.3, NM_199077.3); short protein forms G76R.
Identifiers: ClinVar variation 3641496 (VCV003641496.2).